The following continues an entry in ClinVar:

NM_000256.3(MYBPC3):c.1828G>A (p.Asp610Asn)

Gene: MYBPC3. ClinVar aggregate classification (germline): Conflicting classifications of pathogenicity. Pathogenic (1); Likely pathogenic (3); Uncertain significance (8).

Submissions 8 to 15 of 15:

Laboratorio de Genetica e Diagnostico Molecular, Hospital Israelita Albert Einstein
Classification: Uncertain significance for Hypertrophic cardiomyopathy 4. Last evaluated: 2022-12-19. Review status: criteria provided, single submitter. Criteria: ACMG Guidelines, 2015. Collection method: clinical testing. Allele origin: germline. Affected: yes. Observed: 1 variant allele.
Comment: ACMG classification criteria: PM2 moderated, PP3 supporting

Ambry Genetics
Classification: Uncertain significance for Cardiovascular phenotype. Last evaluated: 2022-06-08. Review status: criteria provided, single submitter. Criteria: Ambry Variant Classification Scheme 2023. Collection method: clinical testing. Allele origin: germline.

Loeys Lab, Universiteit Antwerpen
Classification: Uncertain significance for Hypertrophic cardiomyopathy. Last evaluated: 2021-02-26. Review status: criteria provided, single submitter. Criteria: ACMG Guidelines, 2015. Collection method: clinical testing. Allele origin: somatic. Affected: yes. Observed: 5 variant alleles, 3 heterozygotes, 1 compound heterozygote, 1 homozygote.
Comment: This sequence change results in a missense variant in the MYBPC3 gene (p.(Asp610Asn)). Missense variants are significantly enriched in patients with HCM and are a known mechanism of disease (PP2) (PMID: 27532257). This variant is present in population databases (GnomAD 3/222558). This variant has been reported in the literature in several unrelated individuals with HCM (PMID:22857948; PMID:20624503; PMID:28214152; PMID:28323875). The variant affects a highly conserved nucleotide and a highly conserved amino acid. Prediction programs classify the variant as pathogenic (Align GVGD:C15; SIFT:pathogenic; MutationTaster: disease causing) (PP3). In conclusion this variant was classified as a variant of unknown significance according to ACMG-guidelines (insufficient data, criteria for other classification are not met: BP5, PP2,PP3).

Blueprint Genetics
Classification: Likely pathogenic for MYBPC3-related disorders. Last evaluated: 2017-11-17. Review status: criteria provided, single submitter. Criteria: ACMG Guidelines, 2015. Collection method: clinical testing. Allele origin: germline. Affected: yes. Observed: 2 variant alleles.

Laboratory for Molecular Medicine, Mass General Brigham Personalized Medicine
Classification: Uncertain significance. Last evaluated: 2010-09-10. Review status: criteria provided, single submitter. Criteria: LMM Criteria. Collection method: clinical testing. Allele origin: germline. Observed: 3 variant alleles.
Comment: Aspartic acid (Asp) at position 610 is conserved across mammalian species, however it is not conserved in lower species. In summary, given the available data, the clinical significance of th is variant cannot be determined at this time.

CSER _CC_NCGL, University of Washington
Classification: Uncertain significance for Cardiomyopathy, hypertrophic. Last evaluated: 2014-06-01. Review status: no assertion criteria provided. Collection method: research. Allele origin: germline. Inheritance: Autosomal dominant inheritance. Study: ESP 6500 variant annotation. Not counted in ClinVar's aggregate classification.
Comment: Variants classified for the Actionable exomic incidental findings in 6503 participants: challenges of variant classification manuscript

Clinical Genetics DNA and cytogenetics Diagnostics Lab, Erasmus MC, Erasmus Medical Center
Classification: Uncertain significance. Review status: no assertion criteria provided. Collection method: clinical testing. Allele origin: germline. Affected: yes. Study: VKGL Data-share Consensus. Not counted in ClinVar's aggregate classification.

Joint Genome Diagnostic Labs from Nijmegen and Maastricht, Radboudumc and MUMC+
Classification: Uncertain significance. Review status: no assertion criteria provided. Collection method: clinical testing. Allele origin: germline. Affected: yes. Study: VKGL Data-share Consensus. Not counted in ClinVar's aggregate classification.

Literature cited by the submitters: PubMed 20624503 (cited by Labcorp Genetics (formerly Invitae), Labcorp and Loeys Lab, Universiteit Antwerpen); PubMed 22857948 (cited by 5 submitters); PubMed 27532257 (cited by 3 submitters); PubMed 28214152 (cited by 4 submitters); PubMed 28323875 (cited by Labcorp Genetics (formerly Invitae), Labcorp and Loeys Lab, Universiteit Antwerpen); PubMed 33782553 (cited by 3 submitters); PubMed 34097875 (cited by 3 submitters); PubMed 18533079 (cited by Labcorp Genetics (formerly Invitae), Labcorp); PubMed 22361390 (cited by Labcorp Genetics (formerly Invitae), Labcorp); PubMed 25740977 (cited by Labcorp Genetics (formerly Invitae), Labcorp); PubMed 2832387 (cited by Color Diagnostics, LLC DBA Color Health and All of Us Research Program, National Institutes of Health); PubMed 32841044 (cited by 3 submitters); PubMed 33241513 (cited by Color Diagnostics, LLC DBA Color Health and All of Us Research Program, National Institutes of Health); PubMed 35026164 (cited by Color Diagnostics, LLC DBA Color Health and All of Us Research Program, National Institutes of Health); PubMed 35581137 (cited by Color Diagnostics, LLC DBA Color Health and All of Us Research Program, National Institutes of Health); PubMed 30009132 (cited by Victorian Clinical Genetics Services, Murdoch Childrens Research Institute).